The following is an entry in ClinVar:

NM_006059.4(LAMC3):c.4052G>C (p.Arg1351Pro)

Gene: LAMC3 (laminin subunit gamma 3; plus strand). Cytogenetic location: 9q34.12.
Variant type: single nucleotide variant.
Coding change: c.4052G>C on transcript NM_006059.4 (MANE Select); coding-DNA position 4052, G replaced by C.
Protein change: p.Arg1351Pro; replaces arginine 1351 with proline.
Molecular consequence: missense variant.
Genome position (GRCh38, 1-based): chr9:131,085,545, G>C. VCF-style: chr9-131085545-G-C. GRCh37 (hg19) VCF-style: chr9-133960932-G-C.
Other names: c.4052G>C (NM_006059.3); short protein forms R1351P.
Identifiers: ClinVar variation 1401117 (VCV001401117.6), dbSNP rs199770640, ClinGen allele CA5288041.
Genomic context (GRCh38, chr9:131,085,545, plus strand): 5'-AGCCCAGTTCCCCTGACCCAGCCTCAGCCGGGTTTGCAGGAATGAAGCTGCAGTTTCCCC[G>C]GCCCAAGGACCAGGCGGCATTGCAGAGGAAGGCAGACTCCGTCAGTGACAGACTCCTTGC-3'
Protein context (NP_006050.3, residues 1341-1361): DLEGMKLQFP[Arg1351Pro]PKDQAALQRK

ClinVar aggregate classification (germline): Uncertain significance. Review status: criteria provided, multiple submitters, no conflicts (2 of 4 stars). 2 submissions from 2 submitters: Uncertain significance (2). Last evaluated 2023-10-16.

Conditions:
Inborn genetic diseases. Identifiers: MedGen C0950123, MeSH D030342.

Allele frequency attached by ClinVar (database versions not stated): 1000 Genomes Project 30x 0.00031; 1000 Genomes Project 0.00040.
gnomAD v4.1: 28 of 1,613,972 alleles (0.0017%); highest among the groups gnomAD compares: East Asian, 0.058%; no homozygotes.

Submissions (2):

Ambry Genetics
Classification: Uncertain significance for Inborn genetic diseases. Last evaluated: 2023-10-16. Review status: criteria provided, single submitter. Criteria: Ambry Variant Classification Scheme 2023. Collection method: clinical testing. Allele origin: germline.

Labcorp Genetics (formerly Invitae), Labcorp
Classification: Uncertain significance. Last evaluated: 2022-07-09. Review status: criteria provided, single submitter. Criteria: Invitae Variant Classification Sherloc (09022015). Collection method: clinical testing. Allele origin: germline.
Comment: This sequence change replaces arginine, which is basic and polar, with proline, which is neutral and non-polar, at codon 1351 of the LAMC3 protein (p.Arg1351Pro). This variant is present in population databases (rs199770640, gnomAD 0.08%). This variant has not been reported in the literature in individuals affected with LAMC3-related conditions. ClinVar contains an entry for this variant (Variation ID: 1401117). Algorithms developed to predict the effect of missense changes on protein structure and function are either unavailable or do not agree on the potential impact of this missense change (SIFT: "Tolerated"; PolyPhen-2: "Possibly Damaging"; Align-GVGD: "Class C0"). Algorithms developed to predict the effect of sequence changes on RNA splicing suggest that this variant may create or strengthen a splice site. In summary, the available evidence is currently insufficient to determine the role of this variant in disease. Therefore, it has been classified as a Variant of Uncertain Significance.